The following is an entry in ClinVar:

ClinVar aggregate classification (germline): Uncertain significance. Review status: criteria provided, multiple submitters, no conflicts (2 of 4 stars). 2 submissions from 2 submitters: Uncertain significance (2). Last evaluated 2025-03-12.

Conditions:
Inborn genetic diseases. Identifiers: MedGen C0950123, MeSH D030342.

Allele frequency attached by ClinVar (database versions not stated): gnomAD exomes below 0.00001; TOPMed below 0.00001; ExAC 0.00001.
gnomAD v4.1: 6 of 1,604,900 alleles (0.00037%); highest among the groups gnomAD compares: Non-Finnish European, 0.00025%; no homozygotes.

Submissions (2):

Ambry Genetics
Classification: Uncertain significance for Inborn genetic diseases. Last evaluated: 2025-03-12. Review status: criteria provided, single submitter. Criteria: Ambry Variant Classification Scheme 2023. Collection method: clinical testing. Allele origin: germline.

Labcorp Genetics (formerly Invitae), Labcorp
Classification: Uncertain significance. Last evaluated: 2021-06-13. Review status: criteria provided, single submitter. Criteria: Invitae Variant Classification Sherloc (09022015). Collection method: clinical testing. Allele origin: germline.
Comment: This variant has not been reported in the literature in individuals with ADAMTS17-related conditions. In summary, the available evidence is currently insufficient to determine the role of this variant in disease. Therefore, it has been classified as a Variant of Uncertain Significance. Algorithms developed to predict the effect of missense changes on protein structure and function are either unavailable or do not agree on the potential impact of this missense change (SIFT: "Not Available"; PolyPhen-2: "Possibly Damaging"; Align-GVGD: "Not Available"). This variant is present in population databases (rs750704177, ExAC 0.002%). This sequence change replaces asparagine with tyrosine at codon 262 of the ADAMTS17 protein (p.Asn262Tyr). The asparagine residue is moderately conserved and there is a large physicochemical difference between asparagine and tyrosine.

NM_139057.4(ADAMTS17):c.784A>T (p.Asn262Tyr)

Gene: ADAMTS17 (ADAM metallopeptidase with thrombospondin type 1 motif 17; minus strand). Cytogenetic location: 15q26.3.
Variant type: single nucleotide variant.
Coding change: c.784A>T on transcript NM_139057.4 (MANE Select); coding-DNA position 784, A replaced by T.
Protein change: p.Asn262Tyr; replaces asparagine 262 with tyrosine.
Molecular consequence: missense variant.
Genome position (GRCh38, 1-based): chr15:100,281,234, T>A on the plus strand (A>T on the coding strand, the complement: ADAMTS17 is on the minus strand). VCF-style: chr15-100281234-T-A. GRCh37 (hg19) VCF-style: chr15-100821439-T-A.
Other names: c.784A>T (NM_139057.2); short protein forms N262Y.
Identifiers: ClinVar variation 1360715 (VCV001360715.9), dbSNP rs750704177, ClinGen allele CA7758576.